The following is an entry in ClinVar:

NM_006514.4(SCN10A):c.2917G>A (p.Gly973Arg)

Genes: SCN10A (sodium voltage-gated channel alpha subunit 10; minus strand), LOC110121288 (VISTA enhancer hs2268; plus strand). Cytogenetic location: 3p22.2.
Variant type: single nucleotide variant.
Coding change: c.2917G>A on transcript NM_006514.4 (MANE Select); coding-DNA position 2917, G replaced by A.
Protein change: p.Gly973Arg; replaces glycine 973 with arginine.
Molecular consequence: missense variant.
Genome position (GRCh38, 1-based): chr3:38,726,776, C>T on the plus strand (G>A on the coding strand, the complement: SCN10A is on the minus strand). VCF-style: chr3-38726776-C-T. GRCh37 (hg19) VCF-style: chr3-38768267-C-T.
Other names: c.2917G>A, p.Gly973Arg (NM_001293306.2); c.2623G>A, p.Gly875Arg (NM_001293307.2); short protein forms G973R, G875R.
Identifiers: ClinVar variation 2003216 (VCV002003216.1), dbSNP rs779274547, ClinGen allele CA2320405.

ClinVar aggregate classification (germline): Uncertain significance (1 of 4 stars; one submission).

Conditions:
Brugada syndrome. Also called: Sudden unexplained nocturnal death syndrome; Sudden Unexplained Death Syndrome; Sudden Unexplained Nocturnal Death Syndrome (SUNDS); Sudden unexpected nocturnal death syndrome. Identifiers: Orphanet 130, MedGen C1142166, MONDO:0015263.

Allele frequency attached by ClinVar (database versions not stated): gnomAD exomes below 0.00001; ExAC 0.00001.
gnomAD v4.1: 1 of 1,611,578 alleles (0.000062%); highest among the groups gnomAD compares: East Asian, 0.0022%; no homozygotes.

Submission:

Labcorp Genetics (formerly Invitae), Labcorp
Classification: Uncertain significance for Brugada syndrome. Last evaluated: 2022-06-13. Review status: criteria provided, single submitter. Criteria: Invitae Variant Classification Sherloc (09022015). Collection method: clinical testing. Allele origin: germline.
Comment: This sequence change replaces glycine, which is neutral and non-polar, with arginine, which is basic and polar, at codon 973 of the SCN10A protein (p.Gly973Arg). This variant is present in population databases (rs779274547, gnomAD 0.006%). This variant has not been reported in the literature in individuals affected with SCN10A-related conditions. Advanced modeling of protein sequence and biophysical properties (such as structural, functional, and spatial information, amino acid conservation, physicochemical variation, residue mobility, and thermodynamic stability) performed at Invitae indicates that this missense variant is not expected to disrupt SCN10A protein function. In summary, the available evidence is currently insufficient to determine the role of this variant in disease. Therefore, it has been classified as a Variant of Uncertain Significance.